The following is an entry in ClinVar:

ClinVar aggregate classification (germline): Benign. Review status: criteria provided, single submitter (1 of 4 stars). 2 submissions from 2 submitters: Benign (1). 1 of the submissions does not count toward it. Last evaluated 2025-10-21.

Conditions:
Kabuki syndrome. Also called: NIIKAWA-KUROKI SYNDROME; Kabuki make-up syndrome. Identifiers: Orphanet 2322, MedGen C0796004, MONDO:0016512.

Allele frequency attached by ClinVar (database versions not stated): gnomAD below 0.00001 and 0.00002; ExAC 0.00001; gnomAD exomes 0.00001 and 0.00002.

Submissions (2):

Labcorp Genetics (formerly Invitae), Labcorp
Classification: Benign for Kabuki syndrome. Last evaluated: 2025-10-21. Review status: criteria provided, single submitter. Criteria: Invitae Variant Classification Sherloc (09022015). Collection method: clinical testing. Allele origin: germline.

ITMI
No classification provided. Condition: AllHighlyPenetrant. Last evaluated: 2013-09-19. Review status: no classification provided. Collection method: reference population. Allele origin: germline. Not counted in ClinVar's aggregate classification.
Comment: Please see associated publication for description of ethnicities

Literature cited by the submitters: PubMed 24728327 (cited by ITMI).

NM_003482.4(KMT2D):c.5753G>A (p.Arg1918His)

Gene: KMT2D (lysine methyltransferase 2D; minus strand). Cytogenetic location: 12q13.12.
Variant type: single nucleotide variant.
Coding change: c.5753G>A on transcript NM_003482.4 (MANE Select); coding-DNA position 5753, G replaced by A.
Protein change: p.Arg1918His; replaces arginine 1918 with histidine.
Molecular consequence: missense variant.
Genome position (GRCh38, 1-based): chr12:49,042,770, C>T on the plus strand (G>A on the coding strand, the complement: KMT2D is on the minus strand). VCF-style: chr12-49042770-C-T. GRCh37 (hg19) VCF-style: chr12-49436553-C-T.
Other names: short protein forms R1918H.
Identifiers: ClinVar variation 134683 (VCV000134683.6), dbSNP rs587778461, ClinGen allele CA160531.
Genomic context (GRCh38, chr12:49,042,770, plus strand): 5'-TCAGTCTTCAGACCACTCCCACCTGTATTACCTTGAAGAAAGGGCCTCTGCAGTGGCGTA[C>T]GGCTGCCTTCTAGGCCAGGGGTTCCACAACCCAGATGCTGTTCTCGTTCAGAGCCCAGAA-3'
Protein context (NP_003473.3, residues 1908-1928): GCGTPGLEGS[Arg1918His]TPLQRPFLQG